The following is an entry in ClinVar:

NM_001244008.2(KIF1A):c.805del (p.Ala269fs)

Gene: KIF1A (kinesin family member 1A; minus strand). Cytogenetic location: 2q37.3.
Variant type: Deletion.
Coding change: c.805del on transcript NM_001244008.2 (MANE Select); coding-DNA position 805, one base deleted (G; older notation c.805delG).
Protein change: p.Ala269fs; shifts the reading frame from alanine 269.
Molecular consequence: frameshift variant.
Genome position (GRCh38, 1-based): chr2:240,783,103, C deleted on the plus strand (G on the coding strand, the reverse complement: KIF1A is on the minus strand); the first of 5 consecutive C bases (chr2:240,783,103-240,783,107); deleting any one gives the same sequence. VCF-style (leftmost placement, unchanged base first): chr2-240783102-GC-G. GRCh37 (hg19) VCF-style: chr2-241722519-GC-G.
Other names: c.805del, p.Ala269fs (NM_001320705.2, NM_001330289.2, NM_001330290.2 and 20 more transcripts); c.801delG, p.Ala269Profs (NM_001379654.1, NM_004321.7); c.805del (NM_004321.7); short protein forms A269fs.
Identifiers: ClinVar variation 2921394 (VCV002921394.4), dbSNP rs2538259164, ClinGen allele CA2740096536.

ClinVar aggregate classification (germline): Pathogenic/Likely pathogenic. Review status: criteria provided, multiple submitters, no conflicts (2 of 4 stars). 2 submissions from 2 submitters: Pathogenic (1); Likely pathogenic (1). Last evaluated 2024-04-08.

Conditions:
Neuropathy, hereditary sensory, type 2C. Also called: Hereditary sensory and autonomic neuropathy type IIC; KIF1A-Related HSAN2 (HSAN2C). Identifiers: Orphanet 970, MedGen C3280168, MONDO:0013634, OMIM 614213.
Hereditary spastic paraplegia 30. Identifiers: Orphanet 101010, MedGen C5235139, MONDO:0012476.
Intellectual disability, autosomal dominant 9 (NESCAVS). Also called: NESCAV SYNDROME; KIF1A-Related Neurodevelopmental Disorder. Identifiers: Orphanet 662367, MedGen C5393830, MONDO:0013656, OMIM 614255.
Spastic paraplegia 30B, autosomal recessive. Identifiers: MedGen C5935571, MONDO:0971149, OMIM 620607.

Submissions (2):

Fulgent Genetics
Classification: Likely pathogenic for Spastic paraplegia 30A, autosomal dominant; Neuropathy, hereditary sensory, type 2C; Intellectual disability, autosomal dominant 9; Spastic paraplegia 30B, autosomal recessive. Last evaluated: 2024-04-08. Review status: criteria provided, single submitter. Criteria: ACMG Guidelines, 2015. Collection method: clinical testing. Allele origin: germline.

Labcorp Genetics (formerly Invitae), Labcorp
Classification: Pathogenic for Hereditary spastic paraplegia 30; Neuropathy, hereditary sensory, type 2C; Intellectual disability, autosomal dominant 9. Last evaluated: 2023-12-13. Review status: criteria provided, single submitter. Criteria: Invitae Variant Classification Sherloc (09022015). Collection method: clinical testing. Allele origin: germline.
Comment: This sequence change creates a premature translational stop signal (p.Ala269Profs*7) in the KIF1A gene. It is expected to result in an absent or disrupted protein product. Loss-of-function variants in KIF1A are known to be pathogenic (PMID: 21820098). This variant is not present in population databases (gnomAD no frequency). This variant has not been reported in the literature in individuals affected with KIF1A-related conditions. For these reasons, this variant has been classified as Pathogenic.

Literature cited by the submitters: PubMed 21820098 (cited by Labcorp Genetics (formerly Invitae), Labcorp).